The following is an entry in ClinVar:

NM_002133.3(HMOX1):c.291C>T (p.Tyr97=)

Gene: HMOX1 (heme oxygenase 1; plus strand). Cytogenetic location: 22q12.3.
Variant type: single nucleotide variant.
Coding change: c.291C>T on transcript NM_002133.3 (MANE Select); coding-DNA position 291, C replaced by T.
Protein change: p.Tyr97=; no amino-acid change (tyrosine 97 retained).
Molecular consequence: synonymous variant.
Genome position (GRCh38, 1-based): chr22:35,386,831, C>T. VCF-style: chr22-35386831-C-T. GRCh37 (hg19) VCF-style: chr22-35782824-C-T.
Other names: p.Tyr97=.
Identifiers: ClinVar variation 712414 (VCV000712414.17), dbSNP rs201495169, ClinGen allele CA10204683.

ClinVar aggregate classification (germline): Benign/Likely benign. Review status: criteria provided, multiple submitters, no conflicts (2 of 4 stars). 3 submissions from 3 submitters: Benign (2); Likely benign (1). Last evaluated 2026-02-01.

Allele frequency attached by ClinVar (database versions not stated): gnomAD 0.00012 and 0.00050; ESP Exome Variant Server 0.00015; TOPMed 0.00022; 1000 Genomes Project 30x 0.00234; 1000 Genomes Project 0.00240; gnomAD exomes 0.00183; ExAC 0.00199.
gnomAD v4.1: 1,308 of 1,614,182 alleles (0.081%); highest among the groups gnomAD compares: South Asian, 1.2%; 18 homozygotes.

Submissions (3):

CeGaT Center for Human Genetics Tuebingen
Classification: Benign. Last evaluated: 2026-02-01. Review status: criteria provided, single submitter. Criteria: CeGaT Center For Human Genetics Tuebingen Variant Classification Criteria Version 2. Collection method: clinical testing. Allele origin: germline. Affected: yes. Observed: 2 variant alleles.
Comment: HMOX1: BP4, BP7, BS1, BS2

Labcorp Genetics (formerly Invitae), Labcorp
Classification: Benign. Last evaluated: 2026-01-28. Review status: criteria provided, single submitter. Criteria: Invitae Variant Classification Sherloc (09022015). Collection method: clinical testing. Allele origin: germline.

Mayo Clinic Laboratories, Mayo Clinic
Classification: Likely benign. Last evaluated: 2025-03-04. Review status: criteria provided, single submitter. Criteria: ACMG Guidelines, 2015. Collection method: clinical testing. Allele origin: germline. Observed: 4 variant alleles.